The following is an entry in ClinVar:

NM_001242957.3(MAK):c.125G>A (p.Trp42Ter)

Gene: MAK (male germ cell associated kinase; minus strand). Cytogenetic location: 6p24.2.
Variant type: single nucleotide variant.
Coding change: c.125G>A on transcript NM_001242957.3 (MANE Select); coding-DNA position 125, G replaced by A.
Protein change: p.Trp42Ter; replaces tryptophan 42 with a stop codon.
Molecular consequence: nonsense. On other transcripts: non-coding transcript variant (2).
Genome position (GRCh38, 1-based): chr6:10,818,917, C>T on the plus strand (G>A on the coding strand, the complement: MAK is on the minus strand). VCF-style: chr6-10818917-C-T. GRCh37 (hg19) VCF-style: chr6-10819150-C-T.
Other names: c.125G>A, p.Trp42Ter (NM_001242385.2, NM_005906.6); c.23G>A, p.Trp8Ter (NM_001377262.1); short protein forms W8*, W42*.
Identifiers: ClinVar variation 3688100 (VCV003688100.2).

ClinVar aggregate classification (germline): Pathogenic (1 of 4 stars; one submission).

Submission:

Labcorp Genetics (formerly Invitae), Labcorp
Classification: Pathogenic. Last evaluated: 2024-03-14. Review status: criteria provided, single submitter. Criteria: Invitae Variant Classification Sherloc (09022015). Collection method: clinical testing. Allele origin: germline.
Comment: This sequence change creates a premature translational stop signal (p.Trp42*) in the MAK gene. It is expected to result in an absent or disrupted protein product. Loss-of-function variants in MAK are known to be pathogenic (PMID: 21148103, 21825139, 24938718, 29781741). This variant is not present in population databases (gnomAD no frequency). This variant has not been reported in the literature in individuals affected with MAK-related conditions. Algorithms developed to predict the effect of sequence changes on RNA splicing suggest that this variant may disrupt the consensus splice site. For these reasons, this variant has been classified as Pathogenic.

Literature cited by the submitters: PubMed 21148103; PubMed 21825139; PubMed 24938718; PubMed 29781741.